The following is an entry in ClinVar:

ClinVar aggregate classification (germline): Uncertain significance (1 of 4 stars; one submission).

gnomAD v4.1: 2 of 1,613,918 alleles (0.00012%); highest among the groups gnomAD compares: Non-Finnish European, 0.00017%; no homozygotes.

Submission:

Labcorp Genetics (formerly Invitae), Labcorp
Classification: Uncertain significance. Last evaluated: 2024-05-12. Review status: criteria provided, single submitter. Criteria: Invitae Variant Classification Sherloc (09022015). Collection method: clinical testing. Allele origin: germline.
Comment: This sequence change replaces serine, which is neutral and polar, with glycine, which is neutral and non-polar, at codon 27 of the MLC1 protein (p.Ser27Gly). This variant is not present in population databases (gnomAD no frequency). This variant has not been reported in the literature in individuals affected with MLC1-related conditions. Advanced modeling of protein sequence and biophysical properties (such as structural, functional, and spatial information, amino acid conservation, physicochemical variation, residue mobility, and thermodynamic stability) performed at Invitae indicates that this missense variant is not expected to disrupt MLC1 protein function with a negative predictive value of 80%. In summary, the available evidence is currently insufficient to determine the role of this variant in disease. Therefore, it has been classified as a Variant of Uncertain Significance.

NM_015166.4(MLC1):c.79A>G (p.Ser27Gly)

Gene: MLC1 (modulator of VRAC current 1; minus strand). Cytogenetic location: 22q13.33.
Variant type: single nucleotide variant.
Coding change: c.79A>G on transcript NM_015166.4 (MANE Select); coding-DNA position 79, A replaced by G.
Protein change: p.Ser27Gly; replaces serine 27 with glycine.
Molecular consequence: missense variant. On other transcripts: non-coding transcript variant (3), intron variant (1).
Genome position (GRCh38, 1-based): chr22:50,084,824, T>C on the plus strand (A>G on the coding strand, the complement: MLC1 is on the minus strand). VCF-style: chr22-50084824-T-C. GRCh37 (hg19) VCF-style: chr22-50523253-T-C.
Other names: c.79A>G, p.Ser27Gly (NM_001376476.1, NM_001376477.1, NM_001376481.1 and 10 more transcripts); c.-59+531A>G (NM_001376484.1); short protein forms S27G.
Identifiers: ClinVar variation 3711512 (VCV003711512.2).